The following is an entry in ClinVar:

ClinVar aggregate classification (germline): Uncertain significance (1 of 4 stars; one submission).

Submission:

GeneDx
Classification: Uncertain significance. Last evaluated: 2025-03-12. Review status: criteria provided, single submitter. Criteria: GeneDx Variant Classification Process June 2021. Collection method: clinical testing. Allele origin: germline. Affected: yes.
Comment: Not observed at significant frequency in large population cohorts (gnomAD); In silico analysis supports a deleterious effect on splicing; Has not been previously published as pathogenic or benign to our knowledge.

NM_004958.4(MTOR):c.4330-4A>G

Gene: MTOR (mechanistic target of rapamycin kinase; minus strand). Cytogenetic location: 1p36.22.
Variant type: single nucleotide variant.
Coding change: c.4330-4A>G on transcript NM_004958.4 (MANE Select); 4 bases into the intron before coding-DNA position 4330, A replaced by G.
Molecular consequence: intron variant.
Genome position (GRCh38, 1-based): chr1:11,157,295, T>C on the plus strand (A>G on the coding strand, the complement: MTOR is on the minus strand). VCF-style: chr1-11157295-T-C. GRCh37 (hg19) VCF-style: chr1-11217352-T-C.
Other names: c.3082-4A>G (NM_001386501.1); c.4330-4A>G (NM_001386500.1).
Identifiers: ClinVar variation 4083101 (VCV004083101.1).